The following is an entry in ClinVar:

ClinVar aggregate classification (germline): Conflicting classifications of pathogenicity. Review status: criteria provided, conflicting classifications (1 of 4 stars). 7 submissions from 7 submitters: Uncertain significance (1); Benign (1); Likely benign (5). Last evaluated 2026-02-25.

Conditions:
DNM2-related disorder. Also called: DNM2-related condition.
Inborn genetic diseases. Identifiers: MedGen C0950123, MeSH D030342.
Charcot-Marie-Tooth disease dominant intermediate B (CMTDIB). Also called: CHARCOT-MARIE-TOOTH NEUROPATHY, DOMINANT INTERMEDIATE B; Charcot-Marie-Tooth disease dominant intermediate 1; CMT DI1; Charcot-Marie-Tooth disease dominant intermediate I. Identifiers: Orphanet 100044, Orphanet 228179, MedGen C1847902, MONDO:0011674, OMIM 606482.

Allele frequency attached by ClinVar (database versions not stated): ESP Exome Variant Server 0.00008; gnomAD 0.00011 and 0.00014; TOPMed 0.00013; 1000 Genomes Project 30x 0.00016; 1000 Genomes Project 0.00020.
gnomAD v4.1: 299 of 1,610,918 alleles (0.019%); highest among the groups gnomAD compares: South Asian, 0.028%; no homozygotes.

Submissions (7):

PreventionGenetics, part of Exact Sciences
Classification: Likely benign for DNM2-related condition. Last evaluated: 2026-02-25. Review status: criteria provided, single submitter. Criteria: ACMG Guidelines, 2015. Collection method: clinical testing. Allele origin: germline.
Comment: This variant is classified as likely benign based on ACMG/AMP sequence variant interpretation guidelines (Richards et al. 2015 PMID: 25741868, with internal and published modifications).

Labcorp Genetics (formerly Invitae), Labcorp
Classification: Likely benign for Charcot-Marie-Tooth disease dominant intermediate B. Last evaluated: 2026-01-01. Review status: criteria provided, single submitter. Criteria: Invitae Variant Classification Sherloc (09022015). Collection method: clinical testing. Allele origin: germline.

ARUP Laboratories, Molecular Genetics and Genomics, ARUP Laboratories
Classification: Likely benign. Last evaluated: 2024-05-14. Review status: criteria provided, single submitter. Criteria: ARUP Molecular Germline Variant Investigation Process 2024. Collection method: clinical testing. Allele origin: germline.

Ambry Genetics
Classification: Likely benign for Inborn genetic diseases. Last evaluated: 2019-07-11. Review status: criteria provided, single submitter. Criteria: Ambry Variant Classification Scheme 2023. Collection method: clinical testing. Allele origin: germline.

Athena Diagnostics
Classification: Benign. Last evaluated: 2018-10-31. Review status: criteria provided, single submitter. Criteria: Athena Diagnostics Criteria. Collection method: clinical testing. Allele origin: germline.

GeneDx
Classification: Likely benign. Last evaluated: 2018-09-19. Review status: criteria provided, single submitter. Criteria: GeneDx Variant Classification Process June 2021. Collection method: clinical testing. Allele origin: germline. Affected: yes.

CeGaT Center for Human Genetics Tuebingen
Classification: Uncertain significance. Last evaluated: 2016-11-01. Review status: criteria provided, single submitter. Criteria: CeGaT Center For Human Genetics Tuebingen Variant Classification Criteria Version 2. Collection method: clinical testing. Allele origin: germline. Affected: yes. Observed: 1 variant allele.

NM_001005361.3(DNM2):c.2592C>T (p.Ala864=)

Gene: DNM2 (dynamin 2; plus strand). Cytogenetic location: 19p13.2.
Variant type: single nucleotide variant.
Coding change: c.2592C>T on transcript NM_001005361.3 (MANE Select); coding-DNA position 2592, C replaced by T.
Protein change: p.Ala864=; no amino-acid change (alanine 864 retained).
Molecular consequence: synonymous variant.
Genome position (GRCh38, 1-based): chr19:10,831,026, C>T. VCF-style: chr19-10831026-C-T. GRCh37 (hg19) VCF-style: chr19-10941702-C-T.
Other names: c.2592C>T, p.Ala864= (NM_001005360.3); c.2580C>T, p.Ala860= (NM_001005362.3, NM_004945.4); c.2589C>T, p.Ala863= (NM_001190716.2).
Identifiers: ClinVar variation 215775 (VCV000215775.58), dbSNP rs373161548, ClinGen allele CA339390.